The following is an entry in ClinVar:

ClinVar aggregate classification (germline): Uncertain significance (1 of 4 stars; one submission).

Conditions:
Familial thoracic aortic aneurysm and aortic dissection (TAAD). Also called: Thoracic aortic aneurysms and dissections. Identifiers: Orphanet 91387, MedGen C4707243, MONDO:0019625.

gnomAD v4.1: 1 of 1,613,816 alleles (0.000062%); highest among the groups gnomAD compares: Non-Finnish European, 0.000085%; no homozygotes.

Submission:

Color Diagnostics, LLC DBA Color Health
Classification: Uncertain significance for Familial thoracic aortic aneurysm and aortic dissection. Last evaluated: 2025-09-05. Review status: criteria provided, single submitter. Criteria: ACMG Guidelines, 2015. Collection method: clinical testing. Allele origin: germline.
Comment: This missense variant replaces serine with asparagine at codon 560 of the COL3A1 protein. Computational prediction suggests that this variant may not impact protein structure and function. To our knowledge, functional studies have not been reported for this variant. This variant has not been reported in individuals affected with COL3A1-related disorders in the literature. This variant has not been identified in the general population by the Genome Aggregation Database (gnomAD). The available evidence is insufficient to determine the role of this variant in disease conclusively. Therefore, this variant is classified as a Variant of Uncertain Significance.

NM_000090.4(COL3A1):c.1679G>A (p.Ser560Asn)

Gene: COL3A1 (collagen type III alpha 1 chain; plus strand). Cytogenetic location: 2q32.2.
Variant type: single nucleotide variant.
Coding change: c.1679G>A on transcript NM_000090.4 (MANE Select); coding-DNA position 1679, G replaced by A.
Protein change: p.Ser560Asn; replaces serine 560 with asparagine.
Molecular consequence: missense variant.
Genome position (GRCh38, 1-based): chr2:188,996,414, G>A. VCF-style: chr2-188996414-G-A. GRCh37 (hg19) VCF-style: chr2-189861140-G-A.
Other names: short protein forms S560N.
Identifiers: ClinVar variation 4757840 (VCV004757840.1).
Genomic context (GRCh38, chr2:188,996,414, plus strand): 5'-CTTCTCTTTATCAAACCTTTATTAATGTAATTTTTTCTTATTAGGGAAGTCAAGGAGAAA[G>A]TGGTCGACCAGGTCCTCCTGGGCCATCTGGTCCCCGAGGTCAGCCTGGTGTCATGGGCTT-3'
Protein context (NP_000081.2, residues 550-570): KPGPPGSQGE[Ser560Asn]GRPGPPGPSG